The following is an entry in ClinVar:

ClinVar aggregate classification (germline): Uncertain significance. Review status: criteria provided, multiple submitters, no conflicts (2 of 4 stars). 4 submissions from 4 submitters: Uncertain significance (4). Last evaluated 2023-02-07.

Conditions:
Methylmalonic aciduria, cblB type (MACB). Also called: Methylmalonic acidemia cblB type; Vitamin B12-responsive methylmalonic acidemia type cblB; METHYLMALONIC ACIDURIA, VITAMIN B12-RESPONSIVE, DUE TO DEFECT IN SYNTHESIS OF ADENOSYLCOBALAMIN, cblB TYPE. Identifiers: Orphanet 28, Orphanet 79311, MedGen C1855102, MONDO:0009614, OMIM 251110.
Inborn genetic diseases. Identifiers: MedGen C0950123, MeSH D030342.

Allele frequency attached by ClinVar (database versions not stated): gnomAD exomes 0.00001 and 0.00006; gnomAD 0.00002; TOPMed 0.00002; ExAC 0.00003.
gnomAD v4.1: 92 of 1,610,278 alleles (0.0057%); highest among the groups gnomAD compares: Non-Finnish European, 0.0077%; 1 homozygote.

Submissions (4):

Mayo Clinic Laboratories, Mayo Clinic
Classification: Uncertain significance. Last evaluated: 2023-02-07. Review status: criteria provided, single submitter. Criteria: ACMG Guidelines, 2015. Collection method: clinical testing. Allele origin: germline. Observed: 1 variant allele.
Comment: PM2

Ambry Genetics
Classification: Uncertain significance for Inborn genetic diseases. Last evaluated: 2022-11-17. Review status: criteria provided, single submitter. Criteria: Ambry Variant Classification Scheme 2023. Collection method: clinical testing. Allele origin: germline.

Revvity Omics, Revvity
Classification: Uncertain significance for Methylmalonic aciduria, cblB type. Last evaluated: 2020-12-22. Review status: criteria provided, single submitter. Criteria: ACMG Guidelines, 2015. Collection method: clinical testing. Allele origin: germline.

Illumina Laboratory Services, Illumina
Classification: Uncertain significance for Methylmalonic aciduria, cblB type. Last evaluated: 2018-01-12. Review status: criteria provided, single submitter. Criteria: ICSL Variant Classification Criteria 13 December 2019. Collection method: clinical testing. Allele origin: germline.

NM_052845.4(MMAB):c.68G>A (p.Gly23Asp)

Genes: MMAB (metabolism of cobalamin associated B; minus strand), MVK (mevalonate kinase; plus strand). Cytogenetic location: 12q24.11.
Variant type: single nucleotide variant.
Coding change: c.68G>A on transcript NM_052845.4 (MANE Select); coding-DNA position 68, G replaced by A.
Protein change: p.Gly23Asp; replaces glycine 23 with aspartic acid.
Molecular consequence: missense variant. On other transcripts: non-coding transcript variant (1).
Genome position (GRCh38, 1-based): chr12:109,573,413, C>T on the plus strand (G>A on the coding strand, the complement: MMAB is on the minus strand). VCF-style: chr12-109573413-C-T. GRCh37 (hg19) VCF-style: chr12-110011218-C-T.
Other names: p.Gly23Asp; short protein forms G23D.
Identifiers: ClinVar variation 883486 (VCV000883486.9), dbSNP rs767706407, ClinGen allele CA6779069.
Genomic context (GRCh38, chr12:109,573,413, plus strand): 5'-CCGTCTTCCACGCCCTGAGGGCCGCGGCTCTGGAAACGGGGATACAGGAGCCTGGCGGCG[C>T]CGAAGCACCCGCGCAGGCCAAGACGGCTCCCCAGGCCAAGACGGCTCCCCAGGCCGCACA-3'
Protein context (NP_443077.1, residues 13-33): GSRLGLRGCF[Gly23Asp]AARLLYPRFQ